The following is an entry in ClinVar:

ClinVar aggregate classification (germline): Uncertain significance (1 of 4 stars; one submission).

Allele frequency attached by ClinVar (database versions not stated): gnomAD 0.00001; ExAC 0.00002; TOPMed 0.00005; ESP Exome Variant Server 0.00008.
gnomAD v4.1: 15 of 1,613,918 alleles (0.00093%); highest among the groups gnomAD compares: African/African-American, 0.015%; no homozygotes.

Submission:

Labcorp Genetics (formerly Invitae), Labcorp
Classification: Uncertain significance. Last evaluated: 2022-07-20. Review status: criteria provided, single submitter. Criteria: Invitae Variant Classification Sherloc (09022015). Collection method: clinical testing. Allele origin: germline.
Comment: This sequence change replaces valine, which is neutral and non-polar, with methionine, which is neutral and non-polar, at codon 193 of the ERCC3 protein (p.Val193Met). The frequency data for this variant in the population databases is considered unreliable, as metrics indicate poor data quality at this position in the gnomAD database. This variant has not been reported in the literature in individuals affected with ERCC3-related conditions. Algorithms developed to predict the effect of missense changes on protein structure and function output the following: SIFT: "Deleterious"; PolyPhen-2: "Possibly Damaging"; Align-GVGD: "Class C0". The methionine amino acid residue is found in multiple mammalian species, which suggests that this missense change does not adversely affect protein function. In summary, the available evidence is currently insufficient to determine the role of this variant in disease. Therefore, it has been classified as a Variant of Uncertain Significance.

NM_000122.2(ERCC3):c.577G>A (p.Val193Met)

Gene: ERCC3 (ERCC excision repair 3, TFIIH core complex helicase subunit; minus strand). Cytogenetic location: 2q14.3.
Variant type: single nucleotide variant.
Coding change: c.577G>A on transcript NM_000122.2 (MANE Select); coding-DNA position 577, G replaced by A.
Protein change: p.Val193Met; replaces valine 193 with methionine.
Molecular consequence: missense variant.
Genome position (GRCh38, 1-based): chr2:127,289,769, C>T on the plus strand (G>A on the coding strand, the complement: ERCC3 is on the minus strand). VCF-style: chr2-127289769-C-T. GRCh37 (hg19) VCF-style: chr2-128047345-C-T.
Other names: c.385G>A, p.Val129Met (NM_001303416.2, NM_001303418.2); short protein forms V129M, V193M.
Identifiers: ClinVar variation 2177607 (VCV002177607.1), dbSNP rs144491407, ClinGen allele CA1858508.
Genomic context (GRCh38, chr2:127,289,769, plus strand): 5'-TCTCTGTGATGAGCTCAGTGGCCTCCCCTTCAGAGTTTCTTAAGCGGCATTCTCGGATCA[C>T]GGGGTCCTGGAGAAGATGCTGGATTACATCAGGGTGGCAACTTTCAACGAAGTATCTGCA-3'
Protein context (NP_000113.1, residues 183-203): DVIQHLLQDP[Val193Met]IRECRLRNSE